The following is an entry in ClinVar:

ClinVar aggregate classification (germline): Likely benign (1 of 4 stars; one submission).

Allele frequency attached by ClinVar (database versions not stated): ExAC 0.00011; ESP Exome Variant Server 0.00031.
gnomAD v4.1: 112 of 1,613,314 alleles (0.0069%); highest among the groups gnomAD compares: Admixed American, 0.0067%; no homozygotes.

Submission:

CeGaT Center for Human Genetics Tuebingen
Classification: Likely benign. Last evaluated: 2022-09-01. Review status: criteria provided, single submitter. Criteria: CeGaT Center For Human Genetics Tuebingen Variant Classification Criteria Version 2. Collection method: clinical testing. Allele origin: germline. Affected: yes. Observed: 1 variant allele.
Comment: ZBTB48: BP4, BP7

NM_005341.4(ZBTB48):c.396C>T (p.Pro132=)

Gene: ZBTB48 (zinc finger and BTB domain containing 48; plus strand). Cytogenetic location: 1p36.31.
Variant type: single nucleotide variant.
Coding change: c.396C>T on transcript NM_005341.4 (MANE Select); coding-DNA position 396, C replaced by T.
Protein change: p.Pro132=; no amino-acid change (proline 132 retained).
Molecular consequence: synonymous variant.
Genome position (GRCh38, 1-based): chr1:6,581,005, C>T. VCF-style: chr1-6581005-C-T. GRCh37 (hg19) VCF-style: chr1-6641065-C-T.
Other names: c.396C>T, p.Pro132= (NM_001278647.2, NM_001278648.2).
Identifiers: ClinVar variation 2638125 (VCV002638125.24), dbSNP rs145178070, ClinGen allele CA563501.